The following is an entry in ClinVar:

ClinVar aggregate classification (germline): Benign (1 of 4 stars; one submission).

Allele frequency attached by ClinVar (database versions not stated): gnomAD 0.43220 and 0.43225; TOPMed 0.45158; 1000 Genomes Project 0.46166; 1000 Genomes Project 30x 0.47127.
gnomAD v4.1: 65,801 of 152,044 alleles (43%); highest among the groups gnomAD compares: African/African-American, 55%; 14,828 homozygotes.

Submission:

GeneDx
Classification: Benign. Last evaluated: 2018-06-18. Review status: criteria provided, single submitter. Criteria: GeneDx Variant Classification (06012015). Collection method: clinical testing. Allele origin: germline. Affected: yes.
Comment: This variant is considered likely benign or benign based on one or more of the following criteria: it is a conservative change, it occurs at a poorly conserved position in the protein, it is predicted to be benign by multiple in silico algorithms, and/or has population frequency not consistent with disease.

NM_003242.6(TGFBR2):c.1397-240G>A

Gene: TGFBR2 (transforming growth factor beta receptor 2; plus strand). Cytogenetic location: 3p24.1.
Variant type: single nucleotide variant.
Coding change: c.1397-240G>A on transcript NM_003242.6 (MANE Select); 240 bases into the intron before coding-DNA position 1397, G replaced by A.
Molecular consequence: intron variant.
Genome position (GRCh38, 1-based): chr3:30,688,144, G>A. VCF-style: chr3-30688144-G-A. GRCh37 (hg19) VCF-style: chr3-30729636-G-A.
Other names: c.1400-240G>A (NM_001407129.1); c.1292-240G>A (NM_001407132.1, NM_001407136.1, NM_001407133.1 and 2 more transcripts); c.1580-240G>A (NM_001407126.1); c.1472-240G>A (NM_001024847.3); c.530-243G>A (NM_001407139.1); c.1112-240G>A (NM_001407137.1); c.1505-240G>A (NM_001407127.1); c.1397-243G>A (NM_001407130.1); and 2 more.
Identifiers: ClinVar variation 678626 (VCV000678626.2), dbSNP rs9843942, ClinGen allele CA11549762.